The following is an entry in ClinVar:

NM_000548.5(TSC2):c.2964C>T (p.Arg988=)

Gene: TSC2 (TSC complex subunit 2; plus strand). Cytogenetic location: 16p13.3.
Variant type: single nucleotide variant.
Coding change: c.2964C>T on transcript NM_000548.5 (MANE Select); coding-DNA position 2964, C replaced by T.
Protein change: p.Arg988=; no amino-acid change (arginine 988 retained).
Molecular consequence: synonymous variant. On other transcripts: intron variant (9).
Genome position (GRCh38, 1-based): chr16:2,077,724, C>T. VCF-style: chr16-2077724-C-T. GRCh37 (hg19) VCF-style: chr16-2127725-C-T.
Other names: c.2964C>T, p.Arg988= (NM_001114382.3); c.2837+1139C>T (NM_021055.3, NM_001370405.1, NM_001363528.2 and 2 more transcripts); c.2726+1139C>T (NM_001318827.2); c.2237+1139C>T (NM_001318831.2); c.2690+1139C>T (NM_001318829.2); c.2870+1139C>T (NM_001318832.2).
Identifiers: ClinVar variation 836767 (VCV000836767.10), dbSNP rs757274577, ClinGen allele CA043060.

ClinVar aggregate classification (germline): Conflicting classifications of pathogenicity. Review status: criteria provided, conflicting classifications (1 of 4 stars). 4 submissions from 4 submitters: Uncertain significance (3); Benign (1). Last evaluated 2025-11-10.

Conditions:
Hereditary cancer-predisposing syndrome. Also called: Tumor predisposition; Neoplastic Syndromes, Hereditary; Hereditary neoplastic syndrome; Hereditary Cancer Syndrome. Identifiers: Orphanet 140162, MedGen C0027672, MeSH D009386, MONDO:0015356.
Tuberous sclerosis syndrome (TSC). Also called: Tuberous Sclerosis Complex; Tuberous sclerosis. Identifiers: Orphanet 805, MedGen C0041341, MONDO:0001734.
Acute myeloid leukemia (AML). Also called: Acute myeloid leukemia, adult; AML adult; Acute non-lymphocytic leukemia; Acute granulocytic leukemia; Leukemia, acute myeloid, somatic; Leukemia, acute myelogenous, somatic. Identifiers: Orphanet 519, MedGen C0023467, MeSH D015470, MONDO:0018874, OMIM 601626, HP:0004808. Disease mechanism: Constitutively activated FLT3.
Tuberous sclerosis 2 (TSC2). Identifiers: Orphanet 805, MedGen C1860707, MONDO:0013199, OMIM 613254.

Allele frequency attached by ClinVar (database versions not stated): gnomAD exomes below 0.00001 and 0.00001; ExAC 0.00001.
gnomAD v4.1: 3 of 1,612,596 alleles (0.00019%); highest among the groups gnomAD compares: Non-Finnish European, 0.00025%; no homozygotes.

Submissions (4):

Labcorp Genetics (formerly Invitae), Labcorp
Classification: Benign for Tuberous sclerosis 2. Last evaluated: 2025-11-10. Review status: criteria provided, single submitter. Criteria: Invitae Variant Classification Sherloc (09022015). Collection method: clinical testing. Allele origin: germline.

Clinical Genetics Laboratory, Skane University Hospital Lund
Classification: Uncertain significance for Acute myeloid leukemia. Last evaluated: 2025-07-14. Review status: criteria provided, single submitter. Criteria: ACMG Guidelines, 2015. Collection method: clinical testing. Allele origin: germline. Affected: yes.
Comment: ACMG criteria used: PM2_Supporting, PP3

Color Diagnostics, LLC DBA Color Health
Classification: Uncertain significance for Tuberous sclerosis syndrome. Last evaluated: 2025-06-23. Review status: criteria provided, single submitter. Criteria: ACMG Guidelines, 2015. Collection method: clinical testing. Allele origin: germline.
Comment: This variant is located in the TSC2 protein. To our knowledge, functional studies have not been reported for this variant. This variant has not been reported in individuals affected with TSC2-related disorders in the literature. This variant has been identified in 1/250064 chromosomes in the general population by the Genome Aggregation Database (gnomAD). The available evidence is insufficient to determine the role of this variant in disease conclusively. Therefore, this variant is classified as a Variant of Uncertain Significance.

Ambry Genetics
Classification: Uncertain significance for Hereditary cancer-predisposing syndrome. Last evaluated: 2023-08-02. Review status: criteria provided, single submitter. Criteria: Ambry Variant Classification Scheme 2023. Collection method: clinical testing. Allele origin: germline.
Comment: The c.2964C>T variant (also known as p.R988R), located in coding exon 25 of the TSC2 gene, results from a C to T substitution at nucleotide position 2964. This nucleotide substitution does not change the at codon 988. This nucleotide position is highly conserved in available vertebrate species. In silico splice site analysis predicts that this alteration will weaken the native splice donor site and will result in the creation or strengthening of a novel splice donor site. Since supporting evidence is limited at this time, the clinical significance of this alteration remains unclear.